The following is an entry in ClinVar:

NM_001376.5(DYNC1H1):c.9178C>T (p.Arg3060Cys)

Genes: DYNC1H1 (dynein cytoplasmic 1 heavy chain 1; plus strand), LOC126862060 (BRD4-independent group 4 enhancer GRCh37_chr14:102493659-102494858; plus strand). Cytogenetic location: 14q32.31.
Variant type: single nucleotide variant.
Coding change: c.9178C>T on transcript NM_001376.5 (MANE Select); coding-DNA position 9178, C replaced by T.
Protein change: p.Arg3060Cys; replaces arginine 3060 with cysteine.
Molecular consequence: missense variant.
Genome position (GRCh38, 1-based): chr14:102,027,748, C>T. VCF-style: chr14-102027748-C-T. GRCh37 (hg19) VCF-style: chr14-102494085-C-T.
Other names: short protein forms R3060C.
Identifiers: ClinVar variation 246376 (VCV000246376.22), dbSNP rs773658296, ClinGen allele CA7353174.

ClinVar aggregate classification (germline): Uncertain significance. Review status: criteria provided, multiple submitters, no conflicts (2 of 4 stars). 8 submissions from 7 submitters: Uncertain significance (5). 3 of the submissions do not count toward it. Last evaluated 2026-03-04.

Conditions:
DYNC1H1-related disorder. Also called: DYNC1H1-related condition; DYNC1H1-related disorders. Identifiers: MedGen CN381529.
Autosomal dominant cerebellar ataxia. Also called: Spinocerebellar Ataxia, Dominant. Identifiers: Orphanet 99, MedGen C4087347, MONDO:0020380.
Charcot-Marie-Tooth disease axonal type 2O. Also called: CHARCOT-MARIE-TOOTH NEUROPATHY, AXONAL, TYPE 2O; CHARCOT-MARIE-TOOTH DISEASE, AXONAL, AUTOSOMAL DOMINANT, TYPE 2O; Charcot-Marie-Tooth Neuropathy Type 2O; Charcot-Marie-Tooth disease, axonal, type 20. Identifiers: Orphanet 284232, MedGen C3280220, MONDO:0013644, OMIM 614228.

Allele frequency attached by ClinVar (database versions not stated): ExAC 0.00002; gnomAD 0.00002; gnomAD exomes 0.00002 and 0.00003; TOPMed 0.00003.
gnomAD v4.1: 44 of 1,614,030 alleles (0.0027%); highest among the groups gnomAD compares: Non-Finnish European, 0.0032%; no homozygotes.

Submissions (8):

PreventionGenetics, part of Exact Sciences
Classification: Uncertain significance for DYNC1H1-related condition. Last evaluated: 2026-03-04. Review status: criteria provided, single submitter. Criteria: ACMG Guidelines, 2015. Collection method: clinical testing. Allele origin: germline.
Comment: The DYNC1H1 c.9178C>T variant is predicted to result in the amino acid substitution p.Arg3060Cys. To our knowledge, this variant has not been reported in the literature. This variant is reported in 0.0029% of alleles in individuals of Latino descent in gnomAD. At this time, the clinical significance of this variant is uncertain due to the absence of conclusive functional and genetic evidence.

Labcorp Genetics (formerly Invitae), Labcorp
Classification: Uncertain significance for Charcot-Marie-Tooth disease axonal type 2O. Last evaluated: 2025-06-24. Review status: criteria provided, single submitter. Criteria: Invitae Variant Classification Sherloc (09022015). Collection method: clinical testing. Allele origin: germline.
Comment: This sequence change replaces arginine, which is basic and polar, with cysteine, which is neutral and slightly polar, at codon 3060 of the DYNC1H1 protein (p.Arg3060Cys). This variant is present in population databases (rs773658296, gnomAD 0.003%). This variant has not been reported in the literature in individuals affected with DYNC1H1-related conditions. ClinVar contains an entry for this variant (Variation ID: 246376). Invitae Evidence Modeling of protein sequence and biophysical properties (such as structural, functional, and spatial information, amino acid conservation, physicochemical variation, residue mobility, and thermodynamic stability) indicates that this missense variant is expected to disrupt DYNC1H1 protein function with a positive predictive value of 95%. In summary, the available evidence is currently insufficient to determine the role of this variant in disease. Therefore, it has been classified as a Variant of Uncertain Significance.

GeneDx
Classification: Uncertain significance. Last evaluated: 2024-06-07. Review status: criteria provided, single submitter. Criteria: GeneDx Variant Classification Process June 2021. Collection method: clinical testing. Allele origin: germline. Affected: yes.
Comment: In silico analysis supports that this missense variant has a deleterious effect on protein structure/function; Has not been previously published as pathogenic or benign to our knowledge; This variant is associated with the following publications: (PMID: 25512093, 25609763, 26100331)

Illumina Laboratory Services, Illumina
Classification: Uncertain significance for Spinocerebellar Ataxia, Dominant. Last evaluated: 2018-01-12. Review status: criteria provided, single submitter. Criteria: ICSL Variant Classification Criteria 13 December 2019. Collection method: clinical testing. Allele origin: germline.

Illumina Laboratory Services, Illumina
Classification: Uncertain significance for Charcot-Marie-Tooth disease axonal type 2O. Last evaluated: 2018-01-12. Review status: criteria provided, single submitter. Criteria: ICSL Variant Classification Criteria 13 December 2019. Collection method: clinical testing. Allele origin: germline.

Clinical Genetics, Academic Medical Center
Classification: Uncertain significance. Review status: no assertion criteria provided. Collection method: clinical testing. Allele origin: germline. Affected: yes. Study: VKGL Data-share Consensus. Not counted in ClinVar's aggregate classification.

Diagnostic Laboratory, Department of Genetics, University Medical Center Groningen
Classification: Uncertain significance. Review status: no assertion criteria provided. Collection method: clinical testing. Allele origin: germline. Affected: yes. Study: VKGL Data-share Consensus. Not counted in ClinVar's aggregate classification.

Genome Diagnostics Laboratory, Amsterdam University Medical Center
Classification: Uncertain significance. Review status: no assertion criteria provided. Collection method: clinical testing. Allele origin: germline. Affected: yes. Study: VKGL Data-share Consensus. Not counted in ClinVar's aggregate classification.